The following is an entry in ClinVar:

ClinVar aggregate classification (germline): Likely benign (0 of 4 stars; one submission).

Conditions:
LRIG1-related disorder. Also called: LRIG1-related condition.

Allele frequency attached by ClinVar (database versions not stated): ESP Exome Variant Server 0.00031; ExAC 0.00046; 1000 Genomes Project 30x 0.00062; 1000 Genomes Project 0.00080.
gnomAD v4.1: 418 of 1,613,984 alleles (0.026%); highest among the groups gnomAD compares: Middle Eastern, 0.23%; 4 homozygotes.

Submission:

PreventionGenetics, part of Exact Sciences
Classification: Likely benign for LRIG1-related condition. Last evaluated: 2019-11-27. Review status: no assertion criteria provided. Collection method: clinical testing. Allele origin: germline.
Comment: This variant is classified as likely benign based on ACMG/AMP sequence variant interpretation guidelines (Richards et al. 2015 PMID: 25741868, with internal and published modifications).

NM_015541.3(LRIG1):c.2787C>T (p.Val929=)

Gene: LRIG1 (leucine rich repeats and immunoglobulin like domains 1; minus strand). Cytogenetic location: 3p14.1.
Variant type: single nucleotide variant.
Coding change: c.2787C>T on transcript NM_015541.3 (MANE Select); coding-DNA position 2787, C replaced by T.
Protein change: p.Val929=; no amino-acid change (valine 929 retained).
Molecular consequence: synonymous variant.
Genome position (GRCh38, 1-based): chr3:66,380,845, G>A on the plus strand (C>T on the coding strand, the complement: LRIG1 is on the minus strand). VCF-style: chr3-66380845-G-A. GRCh37 (hg19) VCF-style: chr3-66431269-G-A.
Other names: c.2712C>T, p.Val904= (NM_001377344.1); c.2007C>T, p.Val669= (NM_001377345.1, NM_001377346.1); c.1785C>T, p.Val595= (NM_001377347.1); c.1758C>T, p.Val586= (NM_001377348.1); c.1503C>T, p.Val501= (NM_001377349.1).
Identifiers: ClinVar variation 3048749 (VCV003048749.2), dbSNP rs148523377, ClinGen allele CA2484155.